The following is an entry in ClinVar:

NM_000138.5(FBN1):c.5386G>T (p.Gly1796Ter)

Gene: FBN1 (fibrillin 1; minus strand). Cytogenetic location: 15q21.1.
Variant type: single nucleotide variant.
Coding change: c.5386G>T on transcript NM_000138.5 (MANE Select); coding-DNA position 5386, G replaced by T.
Protein change: p.Gly1796Ter; replaces glycine 1796 with a stop codon.
Molecular consequence: nonsense.
Genome position (GRCh38, 1-based): chr15:48,456,673, C>A on the plus strand (G>T on the coding strand, the complement: FBN1 is on the minus strand). VCF-style: chr15-48456673-C-A. GRCh37 (hg19) VCF-style: chr15-48748870-C-A.
Other names: c.5386G>T, p.Gly1796Ter (NM_001406716.1); short protein forms G1796*.
Identifiers: ClinVar variation 3759279 (VCV003759279.3).

ClinVar aggregate classification (germline): Pathogenic. Review status: criteria provided, multiple submitters, no conflicts (2 of 4 stars). 2 submissions from 2 submitters: Pathogenic (2). Last evaluated 2025-05-19.

Conditions:
Marfan syndrome (MFS). Also called: MARFAN SYNDROME, TYPE I; Marfan syndrome type 1; Marfan's syndrome; Marfan syndrome, classic; FBN1-Related Marfan Syndrome. Identifiers: Orphanet 284963, Orphanet 558, MedGen C0024796, MONDO:0007947, OMIM 154700.
Familial thoracic aortic aneurysm and aortic dissection (TAAD). Also called: Thoracic aortic aneurysms and dissections. Identifiers: Orphanet 91387, MedGen C4707243, MONDO:0019625.

Submissions (2):

GeneDx
Classification: Pathogenic. Last evaluated: 2025-05-19. Review status: criteria provided, single submitter. Criteria: GeneDx Variant Classification Process June 2021. Collection method: clinical testing. Allele origin: germline. Affected: yes.
Comment: Identified in a patient with suspected Marfan syndrome in published literature (PMID: 17657824); Nonsense variant predicted to result in protein truncation or nonsense mediated decay in a gene for which loss of function is a known mechanism of disease; Not observed at significant frequency in large population cohorts (gnomAD); This variant is associated with the following publications: (PMID: 17657824)

Labcorp Genetics (formerly Invitae), Labcorp
Classification: Pathogenic for Marfan syndrome; Familial thoracic aortic aneurysm and aortic dissection. Last evaluated: 2024-04-07. Review status: criteria provided, single submitter. Criteria: Invitae Variant Classification Sherloc (09022015). Collection method: clinical testing. Allele origin: germline.
Comment: This sequence change creates a premature translational stop signal (p.Gly1796*) in the FBN1 gene. It is expected to result in an absent or disrupted protein product. Loss-of-function variants in FBN1 are known to be pathogenic (PMID: 17657824, 19293843). This variant is not present in population databases (gnomAD no frequency). This premature translational stop signal has been observed in individual(s) with clinical features of FBN1-related conditions (PMID: 17657824). For these reasons, this variant has been classified as Pathogenic.

Literature cited by the submitters: PubMed 17657824 (cited by Labcorp Genetics (formerly Invitae), Labcorp); PubMed 19293843 (cited by Labcorp Genetics (formerly Invitae), Labcorp).